The following is an entry in ClinVar:

NM_000548.5(TSC2):c.2310G>C (p.Leu770=)

Gene: TSC2 (TSC complex subunit 2; plus strand). Cytogenetic location: 16p13.3.
Variant type: single nucleotide variant.
Coding change: c.2310G>C on transcript NM_000548.5 (MANE Select); coding-DNA position 2310, G replaced by C.
Protein change: p.Leu770=; no amino-acid change (leucine 770 retained).
Molecular consequence: synonymous variant.
Genome position (GRCh38, 1-based): chr16:2,072,938, G>C. VCF-style: chr16-2072938-G-C. GRCh37 (hg19) VCF-style: chr16-2122939-G-C.
Other names: c.2310G>C (NM_000548.4); c.2310G>C, p.Leu770= (NM_001077183.3, NM_001114382.3, NM_001363528.2 and 3 more transcripts); c.2199G>C, p.Leu733= (NM_001318827.2); c.2163G>C, p.Leu721= (NM_001318829.2); c.1710G>C, p.Leu570= (NM_001318831.2); c.2343G>C, p.Leu781= (NM_001318832.2).
Identifiers: ClinVar variation 821074 (VCV000821074.17), dbSNP rs772380298, ClinGen allele CA492952688.
Genomic context (GRCh38, chr16:2,072,938, plus strand): 5'-CCGAGGCGCCCCAGAAGGCTTCTCCAGAACTGACTTGCACCTGGCCGTGGTTCCAGTGCT[G>C]ACAGCATTAATCTCTTACCATAACTACCTGGACAAAACCAAACAGGTAGGAGGTCAGAGC-3'
Protein context (NP_000539.2, residues 760-780): TDLHLAVVPV[Leu770=]TALISYHNYL

ClinVar aggregate classification (germline): Benign/Likely benign. Review status: criteria provided, multiple submitters, no conflicts (2 of 4 stars). 6 submissions from 6 submitters: Benign (2); Likely benign (4). Last evaluated 2026-01-18.

Conditions:
Hereditary cancer-predisposing syndrome. Also called: Neoplastic Syndromes, Hereditary; Hereditary Cancer Syndrome; Tumor predisposition; Hereditary neoplastic syndrome. Identifiers: Orphanet 140162, MedGen C0027672, MeSH D009386, MONDO:0015356.
Tuberous sclerosis syndrome (TSC). Also called: Tuberous Sclerosis Complex; Tuberous sclerosis. Identifiers: Orphanet 805, MedGen C0041341, MONDO:0001734.
Tuberous sclerosis 2 (TSC2). Identifiers: Orphanet 805, MedGen C1860707, MONDO:0013199, OMIM 613254.
TSC2-related disorder. Also called: TSC2-Related Disorders; TSC2-related condition.

Allele frequency attached by ClinVar (database versions not stated): gnomAD 0.00001 and 0.00002; TOPMed 0.00003.
gnomAD v4.1: 4 of 1,613,506 alleles (0.00025%); highest among the groups gnomAD compares: African/African-American, 0.0053%; no homozygotes.

Submissions (6):

Labcorp Genetics (formerly Invitae), Labcorp
Classification: Likely benign for Tuberous sclerosis 2. Last evaluated: 2026-01-18. Review status: criteria provided, single submitter. Criteria: Invitae Variant Classification Sherloc (09022015). Collection method: clinical testing. Allele origin: germline.

Myriad Genetics, Inc.
Classification: Benign for Tuberous sclerosis 2. Last evaluated: 2025-05-19. Review status: criteria provided, single submitter. Criteria: Myriad Autosomal Dominant, Autosomal Recessive and X-Linked Classification Criteria (2023). Collection method: clinical testing. Allele origin: unknown.
Comment: This variant is considered benign. This variant is a silent/synonymous amino acid change and it is not expected to impact splicing.

PreventionGenetics, part of Exact Sciences
Classification: Likely benign for TSC2-related condition. Last evaluated: 2024-10-17. Review status: criteria provided, single submitter. Criteria: ACMG Guidelines, 2015. Collection method: clinical testing. Allele origin: germline.
Comment: This variant is classified as likely benign based on ACMG/AMP sequence variant interpretation guidelines (Richards et al. 2015 PMID: 25741868, with internal and published modifications).

All of Us Research Program, National Institutes of Health
Classification: Likely benign for Tuberous sclerosis syndrome. Last evaluated: 2024-09-27. Review status: criteria provided, single submitter. Criteria: ACMG Guidelines, 2015. Collection method: clinical testing. Allele origin: germline. Inheritance: Autosomal dominant inheritance. Observed: 3 variant alleles, 3 heterozygotes.
Comment: This study involves interpretation of variants in research participants for the purpose of population health screening. Participant phenotype was not available at the time of variant classification. Additional details can be found in publication PMID: 35346344, PMCID: PMC8962531

Genome-Nilou Lab
Classification: Benign for Tuberous sclerosis 2. Last evaluated: 2021-11-07. Review status: criteria provided, single submitter. Criteria: ACMG Guidelines, 2015. Collection method: clinical testing. Allele origin: germline. Affected: no.

Ambry Genetics
Classification: Likely benign for Hereditary cancer-predisposing syndrome. Last evaluated: 2019-11-25. Review status: criteria provided, single submitter. Criteria: Ambry Variant Classification Scheme 2023. Collection method: clinical testing. Allele origin: germline.